The following is an entry in ClinVar:

NM_032590.5(KDM2B):c.2114C>T (p.Ser705Leu)

Gene: KDM2B (lysine demethylase 2B; minus strand). Cytogenetic location: 12q24.31.
Variant type: single nucleotide variant.
Coding change: c.2114C>T on transcript NM_032590.5 (MANE Select); coding-DNA position 2114, C replaced by T.
Protein change: p.Ser705Leu; replaces serine 705 with leucine.
Molecular consequence: missense variant.
Genome position (GRCh38, 1-based): chr12:121,444,526, G>A on the plus strand (C>T on the coding strand, the complement: KDM2B is on the minus strand). VCF-style: chr12-121444526-G-A. GRCh37 (hg19) VCF-style: chr12-121882329-G-A.
Other names: c.2021C>T, p.Ser674Leu (NM_001005366.2); short protein forms S674L, S705L.
Identifiers: ClinVar variation 2504325 (VCV002504325.1), dbSNP rs1875794238, ClinGen allele CA386975637.
Genomic context (GRCh38, chr12:121,444,526, plus strand): 5'-GCGTGGTTACACTTCGGACACTCCCAGCAGTTTGGAAGCTCGTCGTTGACCACACCCTCT[G>A]ACTCCTTAATCTGCGGGGAACACCAGGACTCAGAAGAGGGACGGGCGGAGAAGATGGCCC-3'
Protein context (NP_115979.3, residues 695-715): IHPGCLKIKE[Ser705Leu]EGVVNDELPN

ClinVar aggregate classification (germline): Uncertain significance (1 of 4 stars; one submission).

gnomAD v4.1: 2 of 1,614,052 alleles (0.00012%); no homozygotes.

Submission:

GeneDx
Classification: Uncertain significance. Last evaluated: 2022-12-01. Review status: criteria provided, single submitter. Criteria: GeneDx Variant Classification Process June 2021. Collection method: clinical testing. Allele origin: germline. Affected: yes.
Comment: Not observed at significant frequency in large population cohorts (gnomAD); In silico analysis supports that this missense variant has a deleterious effect on protein structure/function; Has not been previously published as pathogenic or benign to our knowledge